The following is an entry in ClinVar:

NM_001457.4(FLNB):c.2825T>C (p.Leu942Pro)

Gene: FLNB (filamin B; plus strand). Cytogenetic location: 3p14.3.
Variant type: single nucleotide variant.
Coding change: c.2825T>C on transcript NM_001457.4 (MANE Select); coding-DNA position 2825, T replaced by C.
Protein change: p.Leu942Pro; replaces leucine 942 with proline.
Molecular consequence: missense variant.
Genome position (GRCh38, 1-based): chr3:58,118,951, T>C. VCF-style: chr3-58118951-T-C. GRCh37 (hg19) VCF-style: chr3-58104678-T-C.
Other names: c.2825T>C, p.Leu942Pro (NM_001164317.2, NM_001164318.2, NM_001164319.2); short protein forms L942P.
Identifiers: ClinVar variation 5019404 (VCV005019404.2).

ClinVar aggregate classification (germline): Uncertain significance (1 of 4 stars; one submission).

Conditions:
Spondylocarpotarsal synostosis syndrome (SCT). Also called: Synspondylism congenital; Scoliosis, congenital with unilateral unsegmented bar; SPONDYLOCARPOTARSAL SYNDROME; VERTEBRAL FUSION WITH CARPAL COALITION; Spondylocarpotarsal Synostosis Syndrome (FLNB-SCT). Identifiers: Orphanet 3275, MedGen C1848934, MONDO:0010094, OMIM 272460.
Boomerang dysplasia. Identifiers: Orphanet 1263, MedGen C0432201, MONDO:0007208, OMIM 112310.
Atelosteogenesis type I. Also called: SPONDYLOHUMEROFEMORAL HYPOPLASIA; Atelosteogenesis Type 1 (FLNB-AO1); GIANT CELL CHONDRODYSPLASIA. Identifiers: Orphanet 1190, MedGen C0265283, MONDO:0007167, OMIM 108720.
Atelosteogenesis type III. Also called: Atelosteogenesis Type 3 (FLNB-AO3). Identifiers: Orphanet 56305, MedGen C3668942, MONDO:0007168, OMIM 108721.
Larsen syndrome (LRS). Also called: Bilateral dislocation of the knees, pes cavus, cylindrically shaped fingers and characteristic facies; Larsen syndrome (FLNB-LS). Identifiers: Orphanet 503, MedGen C0175778, MONDO:0007875, OMIM 150250. Disease mechanism: loss of function.

gnomAD v4.1: 2 of 1,614,124 alleles (0.00012%); no homozygotes.

Submission:

Juno Genomics, Hangzhou Juno Genomics, Inc
Classification: Uncertain significance for Spondylocarpotarsal synostosis syndrome; Atelosteogenesis type I; Atelosteogenesis type III; Boomerang dysplasia; Larsen syndrome. Review status: criteria provided, single submitter. Criteria: ACMG Guidelines, 2015. Collection method: clinical testing. Allele origin: germline.
Comment: Absent from controls (or at extremely low frequency if recessive) in Genome Aggregation Database.;Multiple lines of computational evidence support a deleterious effect on the gene or gene product.;Missense variant in a gene that has a low rate of benign missense variation.